The following is an entry in ClinVar:

ClinVar aggregate classification (germline): Uncertain significance. Review status: criteria provided, multiple submitters, no conflicts (2 of 4 stars). 3 submissions from 3 submitters: Uncertain significance (3). Last evaluated 2026-03-27.

Conditions:
Inborn genetic diseases. Identifiers: MedGen C0950123, MeSH D030342.

gnomAD v4.1: 1 of 1,613,948 alleles (0.000062%); highest among the groups gnomAD compares: Non-Finnish European, 0.000085%; no homozygotes.

Submissions (3):

Ambry Genetics
Classification: Uncertain significance for Inborn genetic diseases. Last evaluated: 2026-03-27. Review status: criteria provided, single submitter. Criteria: Ambry Variant Classification Scheme 2023. Collection method: clinical testing. Allele origin: germline.
Comment: The c.1930C>T (p.P644S) alteration is located in exon 15 (coding exon 15) of the COL7A1 gene. This alteration results from a C to T substitution at nucleotide position 1930, causing the proline (P) at amino acid position 644 to be replaced by a serine (S). Based on data from gnomAD, the T allele has an overall frequency of 0.003% (1/31342) total alleles studied. The highest observed frequency was 0.007% (1/15400) of European (non-Finnish) alleles. Based on insufficient or conflicting evidence, the clinical significance of this alteration remains unclear.

Women's Health and Genetics/Laboratory Corporation of America, LabCorp
Classification: Uncertain significance. Last evaluated: 2024-06-24. Review status: criteria provided, single submitter. Criteria: LabCorp Variant Classification Summary - May 2015. Collection method: clinical testing. Allele origin: germline.

Labcorp Genetics (formerly Invitae), Labcorp
Classification: Uncertain significance. Last evaluated: 2024-03-14. Review status: criteria provided, single submitter. Criteria: Invitae Variant Classification Sherloc (09022015). Collection method: clinical testing. Allele origin: germline.
Comment: This sequence change replaces proline, which is neutral and non-polar, with serine, which is neutral and polar, at codon 644 of the COL7A1 protein (p.Pro644Ser). This variant is present in population databases (no rsID available, gnomAD 0.007%). This variant has not been reported in the literature in individuals affected with COL7A1-related conditions. ClinVar contains an entry for this variant (Variation ID: 1346022). Advanced modeling of protein sequence and biophysical properties (such as structural, functional, and spatial information, amino acid conservation, physicochemical variation, residue mobility, and thermodynamic stability) performed at Invitae indicates that this missense variant is not expected to disrupt COL7A1 protein function with a negative predictive value of 95%. In summary, the available evidence is currently insufficient to determine the role of this variant in disease. Therefore, it has been classified as a Variant of Uncertain Significance.

NM_000094.4(COL7A1):c.1930C>T (p.Pro644Ser)

Gene: COL7A1 (collagen type VII alpha 1 chain; minus strand). Cytogenetic location: 3p21.31.
Variant type: single nucleotide variant.
Coding change: c.1930C>T on transcript NM_000094.4 (MANE Select); coding-DNA position 1930, C replaced by T.
Protein change: p.Pro644Ser; replaces proline 644 with serine.
Molecular consequence: missense variant.
Genome position (GRCh38, 1-based): chr3:48,590,333, G>A on the plus strand (C>T on the coding strand, the complement: COL7A1 is on the minus strand). VCF-style: chr3-48590333-G-A. GRCh37 (hg19) VCF-style: chr3-48627766-G-A.
Other names: c.1930C>T (NM_000094.3); short protein forms P644S.
Identifiers: ClinVar variation 1346022 (VCV001346022.9), dbSNP rs1384386683, ClinGen allele CA352727229.